The following is an entry in ClinVar:

ClinVar aggregate classification (germline): Uncertain significance (1 of 4 stars; one submission).

Conditions:
Familial acute necrotizing encephalopathy (IIAE3). Also called: ENCEPHALOPATHY, ACUTE, INFECTION-INDUCED, SUSCEPTIBILITY TO, 3; Susceptibility to Acute Necrotizing Encephalopathy 1. Identifiers: Orphanet 88619, MedGen C2675556, MONDO:0011953, OMIM 608033.

Allele frequency attached by ClinVar (database versions not stated): TOPMed below 0.00001; gnomAD 0.00001; gnomAD exomes 0.00001.
gnomAD v4.1: 10 of 1,323,778 alleles (0.00076%); highest among the groups gnomAD compares: East Asian, 0.019%; no homozygotes.

Submission:

Labcorp Genetics (formerly Invitae), Labcorp
Classification: Uncertain significance for Familial acute necrotizing encephalopathy. Last evaluated: 2020-11-10. Review status: criteria provided, single submitter. Criteria: Invitae Variant Classification Sherloc (09022015). Collection method: clinical testing. Allele origin: germline.
Comment: This sequence change replaces asparagine with serine at codon 1619 of the RANBP2 protein (p.Asn1619Ser). The asparagine residue is weakly conserved and there is a small physicochemical difference between asparagine and serine. This variant is not present in population databases (ExAC no frequency). This variant has not been reported in the literature in individuals with RANBP2-related conditions. Algorithms developed to predict the effect of missense changes on protein structure and function are either unavailable or do not agree on the potential impact of this missense change (SIFT: "Deleterious"; PolyPhen-2: "Benign"; Align-GVGD: "Class C0"). In summary, the available evidence is currently insufficient to determine the role of this variant in disease. Therefore, it has been classified as a Variant of Uncertain Significance.

NM_006267.5(RANBP2):c.4856A>G (p.Asn1619Ser)

Gene: RANBP2 (RAN binding protein 2; plus strand). Cytogenetic location: 2q13.
Variant type: single nucleotide variant.
Coding change: c.4856A>G on transcript NM_006267.5 (MANE Select); coding-DNA position 4856, A replaced by G.
Protein change: p.Asn1619Ser; replaces asparagine 1619 with serine.
Molecular consequence: missense variant.
Genome position (GRCh38, 1-based): chr2:108,765,395, A>G. VCF-style: chr2-108765395-A-G. GRCh37 (hg19) VCF-style: chr2-109381851-A-G.
Other names: short protein forms N1619S.
Identifiers: ClinVar variation 1421428 (VCV001421428.9), dbSNP rs1482959608, ClinGen allele CA348068900.